The following is an entry in ClinVar:

ClinVar aggregate classification (germline): Uncertain significance (1 of 4 stars; one submission).

Submission:

Labcorp Genetics (formerly Invitae), Labcorp
Classification: Uncertain significance. Last evaluated: 2022-06-10. Review status: criteria provided, single submitter. Criteria: Invitae Variant Classification Sherloc (09022015). Collection method: clinical testing. Allele origin: germline.
Comment: Algorithms developed to predict the effect of missense changes on protein structure and function (SIFT, PolyPhen-2, Align-GVGD) all suggest that this variant is likely to be tolerated. In summary, the available evidence is currently insufficient to determine the role of this variant in disease. Therefore, it has been classified as a Variant of Uncertain Significance. This variant has not been reported in the literature in individuals affected with PEPD-related conditions. This variant is not present in population databases (gnomAD no frequency). This sequence change replaces phenylalanine, which is neutral and non-polar, with isoleucine, which is neutral and non-polar, at codon 371 of the PEPD protein (p.Phe371Ile).

NM_000285.4(PEPD):c.1111T>A (p.Phe371Ile)

Gene: PEPD (peptidase D; minus strand). Cytogenetic location: 19q13.11.
Variant type: single nucleotide variant.
Coding change: c.1111T>A on transcript NM_000285.4 (MANE Select); coding-DNA position 1111, T replaced by A.
Protein change: p.Phe371Ile; replaces phenylalanine 371 with isoleucine.
Molecular consequence: missense variant.
Genome position (GRCh38, 1-based): chr19:33,391,336, A>T on the plus strand (T>A on the coding strand, the complement: PEPD is on the minus strand). VCF-style: chr19-33391336-A-T. GRCh37 (hg19) VCF-style: chr19-33882242-A-T.
Other names: c.988T>A, p.Phe330Ile (NM_001166056.2); c.919T>A, p.Phe307Ile (NM_001166057.2); short protein forms F330I, F307I, F371I.
Identifiers: ClinVar variation 2004481 (VCV002004481.4), dbSNP rs2513380348, ClinGen allele CA405221764.
Genomic context (GRCh38, chr19:33,391,336, plus strand): 5'-CTGCCATGTCCACACTGACCTCTGGGTAGCCTCCCACGTCGTGCACGTCAATGCCCAGGA[A>T]GTGGCCAAGCCCGTGAGGCATAAACACGGCCCCCAGGTGAGCCTGGACCATGGCGTCCAC-3'
Protein context (NP_000276.2, residues 361-381): AVFMPHGLGH[Phe371Ile]LGIDVHDVGG